The following is an entry in ClinVar:

NM_018896.5(CACNA1G):c.6913A>C (p.Lys2305Gln)

Gene: CACNA1G (calcium voltage-gated channel subunit alpha1 G; plus strand). Cytogenetic location: 17q21.33.
Variant type: single nucleotide variant.
Coding change: c.6913A>C on transcript NM_018896.5 (MANE Select); coding-DNA position 6913, A replaced by C.
Protein change: p.Lys2305Gln; replaces lysine 2305 with glutamine.
Molecular consequence: missense variant. On other transcripts: non-coding transcript variant (5).
Genome position (GRCh38, 1-based): chr17:50,626,530, A>C. VCF-style: chr17-50626530-A-C. GRCh37 (hg19) VCF-style: chr17-48703891-A-C.
Other names: c.6724A>C, p.Lys2242Gln (NM_001256324.2); c.6655A>C, p.Lys2219Gln (NM_001256325.2); c.6643A>C, p.Lys2215Gln (NM_001256326.2); c.6613A>C, p.Lys2205Gln (NM_001256327.2); c.6559A>C, p.Lys2187Gln (NM_001256328.2); c.6532A>C, p.Lys2178Gln (NM_001256329.2, NM_198387.3); c.6499A>C, p.Lys2167Gln (NM_001256330.2); c.6478A>C, p.Lys2160Gln (NM_001256331.2); and 18 more; short protein forms K2099Q, K2122Q, K2133Q, K2155Q, K2160Q, K2167Q, K2171Q, K2174Q.
Identifiers: ClinVar variation 1307506 (VCV001307506.6), dbSNP rs778995997, ClinGen allele CA8653755.

ClinVar aggregate classification (germline): Uncertain significance. Review status: criteria provided, multiple submitters, no conflicts (2 of 4 stars). 2 submissions from 2 submitters: Uncertain significance (2). Last evaluated 2022-11-22.

Allele frequency attached by ClinVar (database versions not stated): gnomAD exomes below 0.00001 and 0.00001; ExAC 0.00001; TOPMed 0.00001.
gnomAD v4.1: 6 of 1,573,576 alleles (0.00038%); highest among the groups gnomAD compares: Non-Finnish European, 0.00043%; no homozygotes.

Submissions (2):

Labcorp Genetics (formerly Invitae), Labcorp
Classification: Uncertain significance. Last evaluated: 2022-11-22. Review status: criteria provided, single submitter. Criteria: Invitae Variant Classification Sherloc (09022015). Collection method: clinical testing. Allele origin: germline.
Comment: This variant has not been reported in the literature in individuals affected with CACNA1G-related conditions. In summary, the available evidence is currently insufficient to determine the role of this variant in disease. Therefore, it has been classified as a Variant of Uncertain Significance. Advanced modeling of protein sequence and biophysical properties (such as structural, functional, and spatial information, amino acid conservation, physicochemical variation, residue mobility, and thermodynamic stability) has been performed at Invitae for this missense variant, however the output from this modeling did not meet the statistical confidence thresholds required to predict the impact of this variant on CACNA1G protein function. ClinVar contains an entry for this variant (Variation ID: 1307506). This variant is present in population databases (rs778995997, gnomAD 0.002%). This sequence change replaces lysine, which is basic and polar, with glutamine, which is neutral and polar, at codon 2305 of the CACNA1G protein (p.Lys2305Gln).

GeneDx
Classification: Uncertain significance. Last evaluated: 2019-07-31. Review status: criteria provided, single submitter. Criteria: GeneDx Variant Classification Process June 2021. Collection method: clinical testing. Allele origin: germline. Affected: yes.
Comment: Not observed at a significant frequency in large population cohorts (Lek et al., 2016); In silico analysis, which includes protein predictors and evolutionary conservation, supports a deleterious effect; Has not been previously published as pathogenic or benign to our knowledge